The following is an entry in ClinVar:

NM_000069.3(CACNA1S):c.3580A>G (p.Ile1194Val)

Gene: CACNA1S (calcium voltage-gated channel subunit alpha1 S; minus strand). Cytogenetic location: 1q32.1.
Variant type: single nucleotide variant.
Coding change: c.3580A>G on transcript NM_000069.3 (MANE Select); coding-DNA position 3580, A replaced by G.
Protein change: p.Ile1194Val; replaces isoleucine 1194 with valine.
Molecular consequence: missense variant.
Genome position (GRCh38, 1-based): chr1:201,058,437, T>C on the plus strand (A>G on the coding strand, the complement: CACNA1S is on the minus strand). VCF-style: chr1-201058437-T-C. GRCh37 (hg19) VCF-style: chr1-201027565-T-C.
Other names: short protein forms I1194V.
Identifiers: ClinVar variation 3386323 (VCV003386323.2).

ClinVar aggregate classification (germline): Uncertain significance. Review status: criteria provided, multiple submitters, no conflicts (2 of 4 stars). 2 submissions from 2 submitters: Uncertain significance (2). Last evaluated 2024-08-13.

Conditions:
Malignant hyperthermia, susceptibility to, 5 (MHS5). Also called: CACNA1S-Related Malignant Hyperthermia Susceptibility. Identifiers: Orphanet 423, MedGen C1866077, MONDO:0011163, OMIM 601887.

Submissions (2):

All of Us Research Program, National Institutes of Health
Classification: Uncertain significance for Malignant hyperthermia, susceptibility to, 5. Last evaluated: 2024-08-13. Review status: criteria provided, single submitter. Criteria: ACMG Guidelines, 2015. Collection method: clinical testing. Allele origin: germline. Inheritance: Autosomal dominant inheritance. Observed: 1 variant allele, 1 heterozygote.
Comment: This missense variant replaces isoleucine with valine at codon 1194 of the CACNA1S protein. Computational prediction suggests that this variant may not impact protein structure and function (internally defined REVEL score threshold <= 0.5, PMID: 27666373). To our knowledge, functional studies have not been reported for this variant. This variant has not been reported in individuals affected with CACNA1S-related disorders in the literature. This variant has not been identified in the general population by the Genome Aggregation Database (gnomAD). The available evidence is insufficient to determine the role of this variant in disease conclusively. Therefore, this variant is classified as a Variant of Uncertain Significance.

This study involves interpretation of variants in research participants for the purpose of population health screening. Participant phenotype was not available at the time of variant classification. Additional details can be found in publication PMID: 35346344, PMCID: PMC8962531

Color Diagnostics, LLC DBA Color Health
Classification: Uncertain significance for Malignant hyperthermia, susceptibility to, 5. Last evaluated: 2024-04-17. Review status: criteria provided, single submitter. Criteria: ACMG Guidelines, 2015. Collection method: clinical testing. Allele origin: germline.
Comment: This missense variant replaces isoleucine with valine at codon 1194 of the CACNA1S protein. Computational prediction suggests that this variant may not impact protein structure and function. To our knowledge, functional studies have not been reported for this variant. This variant has not been reported in individuals affected with CACNA1S-related disorders in the literature. This variant has not been identified in the general population by the Genome Aggregation Database (gnomAD). The available evidence is insufficient to determine the role of this variant in disease conclusively. Therefore, this variant is classified as a Variant of Uncertain Significance.